The following is an entry in ClinVar:

ClinVar aggregate classification (germline): Uncertain significance (1 of 4 stars; one submission).

gnomAD v4.1: 1 of 1,613,798 alleles (0.000062%); highest among the groups gnomAD compares: Non-Finnish European, 0.000085%; no homozygotes.

Submission:

GeneDx
Classification: Uncertain significance. Last evaluated: 2025-07-10. Review status: criteria provided, single submitter. Criteria: GeneDx Variant Classification Process June 2021. Collection method: clinical testing. Allele origin: germline. Affected: yes.
Comment: Not observed at significant frequency in large population cohorts (gnomAD); In silico analysis suggests that this missense variant does not alter protein structure/function; Has not been previously published as pathogenic or benign to our knowledge

NM_001846.4(COL4A2):c.3157G>A (p.Val1053Met)

Gene: COL4A2 (collagen type IV alpha 2 chain; plus strand). Cytogenetic location: 13q34.
Variant type: single nucleotide variant.
Coding change: c.3157G>A on transcript NM_001846.4 (MANE Select); coding-DNA position 3157, G replaced by A.
Protein change: p.Val1053Met; replaces valine 1053 with methionine.
Molecular consequence: missense variant.
Genome position (GRCh38, 1-based): chr13:110,485,786, G>A. VCF-style: chr13-110485786-G-A. GRCh37 (hg19) VCF-style: chr13-111138133-G-A.
Other names: short protein forms V1053M.
Identifiers: ClinVar variation 4685024 (VCV004685024.1).